The following is an entry in ClinVar:

NM_000214.3(JAG1):c.1955dup (p.Cys653fs)

Gene: JAG1 (jagged canonical Notch ligand 1; minus strand). Cytogenetic location: 20p12.2.
Variant type: Duplication.
Coding change: c.1955dup on transcript NM_000214.3 (MANE Select); coding-DNA position 1955, one base duplicated (A; older notation c.1955dupA).
Protein change: p.Cys653fs; shifts the reading frame from cysteine 653.
Molecular consequence: frameshift variant.
Genome position (GRCh38, 1-based): chr20:10,646,015, T duplicated on the plus strand (A on the coding strand, the reverse complement: JAG1 is on the minus strand); the first of 2 consecutive T bases (chr20:10,646,015-10,646,016); duplicating either gives the same sequence. VCF-style (leftmost placement, unchanged base first): chr20-10646014-C-CT. GRCh37 (hg19) VCF-style: chr20-10626662-C-CT.
Other names: short protein forms C653fs.
Identifiers: ClinVar variation 1191321 (VCV001191321.2), dbSNP rs2122604461, ClinGen allele CA2499225669.

ClinVar aggregate classification (germline): Pathogenic (1 of 4 stars; one submission).

Submission:

GeneDx
Classification: Pathogenic. Last evaluated: 2020-10-28. Review status: criteria provided, single submitter. Criteria: GeneDx Variant Classification Process June 2021. Collection method: clinical testing. Allele origin: germline. Affected: yes.
Comment: Frameshift variant predicted to result in protein truncation or nonsense mediated decay in a gene for which loss-of-function is a known mechanism of disease; Not observed in large population cohorts (Lek et al., 2016)